The following is an entry in ClinVar:

ClinVar aggregate classification (germline): Likely benign (0 of 4 stars; one submission).

Conditions:
MTR-related disorder. Also called: MTR-related condition.

Allele frequency attached by ClinVar (database versions not stated): ExAC 0.00007; ESP Exome Variant Server 0.00008; gnomAD exomes 0.00008; gnomAD 0.00009; TOPMed 0.00009.
gnomAD v4.1: 126 of 1,614,030 alleles (0.0078%); highest among the groups gnomAD compares: Middle Eastern, 0.2%; no homozygotes.

Submission:

PreventionGenetics, part of Exact Sciences
Classification: Likely benign for MTR-related condition. Last evaluated: 2024-01-18. Review status: no assertion criteria provided. Collection method: clinical testing. Allele origin: germline.
Comment: This variant is classified as likely benign based on ACMG/AMP sequence variant interpretation guidelines (Richards et al. 2015 PMID: 25741868, with internal and published modifications).

NM_000254.3(MTR):c.129G>T (p.Arg43=)

Gene: MTR (5-methyltetrahydrofolate-homocysteine methyltransferase; plus strand). Cytogenetic location: 1q43.
Variant type: single nucleotide variant.
Coding change: c.129G>T on transcript NM_000254.3 (MANE Select); coding-DNA position 129, G replaced by T.
Protein change: p.Arg43=; no amino-acid change (arginine 43 retained).
Molecular consequence: synonymous variant. On other transcripts: 5 prime UTR variant (1).
Genome position (GRCh38, 1-based): chr1:236,803,522, G>T. VCF-style: chr1-236803522-G-T. GRCh37 (hg19) VCF-style: chr1-236966822-G-T.
Other names: c.129G>T, p.Arg43= (NM_001291939.1, NM_001410942.1); c.-980G>T (NM_001291940.2).
Identifiers: ClinVar variation 3045511 (VCV003045511.2), dbSNP rs138229278, ClinGen allele CA1473635.